The following is an entry in ClinVar:

ClinVar aggregate classification (germline): Uncertain significance (1 of 4 stars; one submission).

Allele frequency attached by ClinVar (database versions not stated): gnomAD exomes below 0.00001; ExAC 0.00001; gnomAD 0.00001; TOPMed 0.00002.

Submission:

Labcorp Genetics (formerly Invitae), Labcorp
Classification: Uncertain significance. Last evaluated: 2023-10-22. Review status: criteria provided, single submitter. Criteria: Invitae Variant Classification Sherloc (09022015). Collection method: clinical testing. Allele origin: germline.
Comment: This sequence change replaces arginine, which is basic and polar, with glutamine, which is neutral and polar, at codon 140 of the STAG1 protein (p.Arg140Gln). The frequency data for this variant in the population databases is considered unreliable, as metrics indicate poor data quality at this position in the gnomAD database. This variant has not been reported in the literature in individuals affected with STAG1-related conditions. Advanced modeling of protein sequence and biophysical properties (such as structural, functional, and spatial information, amino acid conservation, physicochemical variation, residue mobility, and thermodynamic stability) performed at Invitae indicates that this missense variant is not expected to disrupt STAG1 protein function. In summary, the available evidence is currently insufficient to determine the role of this variant in disease. Therefore, it has been classified as a Variant of Uncertain Significance.

NM_005862.3(STAG1):c.419G>A (p.Arg140Gln)

Gene: STAG1 (STAG1 cohesin complex component; minus strand). Cytogenetic location: 3q22.3.
Variant type: single nucleotide variant.
Coding change: c.419G>A on transcript NM_005862.3 (MANE Select); coding-DNA position 419, G replaced by A.
Protein change: p.Arg140Gln; replaces arginine 140 with glutamine.
Molecular consequence: missense variant.
Genome position (GRCh38, 1-based): chr3:136,542,171, C>T on the plus strand (G>A on the coding strand, the complement: STAG1 is on the minus strand). VCF-style: chr3-136542171-C-T. GRCh37 (hg19) VCF-style: chr3-136261013-C-T.
Other names: short protein forms R140Q.
Identifiers: ClinVar variation 2782954 (VCV002782954.3), dbSNP rs774614550, ClinGen allele CA2633194.